The following is an entry in ClinVar:

NM_000824.5(GLRB):c.127C>G (p.Gln43Glu)

Gene: GLRB (glycine receptor beta; plus strand). Cytogenetic location: 4q32.1.
Variant type: single nucleotide variant.
Coding change: c.127C>G on transcript NM_000824.5 (MANE Select); coding-DNA position 127, C replaced by G.
Protein change: p.Gln43Glu; replaces glutamine 43 with glutamic acid.
Molecular consequence: missense variant.
Genome position (GRCh38, 1-based): chr4:157,120,560, C>G. VCF-style: chr4-157120560-C-G. GRCh37 (hg19) VCF-style: chr4-158041712-C-G.
Other names: c.127C>G, p.Gln43Glu (NM_001166060.2, NM_001166061.2); short protein forms Q43E.
Identifiers: ClinVar variation 1507331 (VCV001507331.8), dbSNP rs1296050660, ClinGen allele CA358641595.

ClinVar aggregate classification (germline): Uncertain significance (1 of 4 stars; one submission).

Conditions:
Hyperekplexia 2 (HKPX2). Identifiers: Orphanet 3197, MedGen C3553291, MONDO:0013828, OMIM 614619.

Allele frequency attached by ClinVar (database versions not stated): gnomAD exomes below 0.00001.
gnomAD v4.1: 2 of 1,546,160 alleles (0.00013%); highest among the groups gnomAD compares: South Asian, 0.0022%; no homozygotes.

Submission:

Labcorp Genetics (formerly Invitae), Labcorp
Classification: Uncertain significance for Hyperekplexia 2. Last evaluated: 2022-09-07. Review status: criteria provided, single submitter. Criteria: Invitae Variant Classification Sherloc (09022015). Collection method: clinical testing. Allele origin: germline.
Comment: This variant is present in population databases (no rsID available, gnomAD 0.003%). In summary, the available evidence is currently insufficient to determine the role of this variant in disease. Therefore, it has been classified as a Variant of Uncertain Significance. Advanced modeling of protein sequence and biophysical properties (such as structural, functional, and spatial information, amino acid conservation, physicochemical variation, residue mobility, and thermodynamic stability) performed at Invitae indicates that this missense variant is not expected to disrupt GLRB protein function. ClinVar contains an entry for this variant (Variation ID: 1507331). This variant has not been reported in the literature in individuals affected with GLRB-related conditions. This sequence change replaces glutamine, which is neutral and polar, with glutamic acid, which is acidic and polar, at codon 43 of the GLRB protein (p.Gln43Glu).